The following is an entry in ClinVar:

ClinVar aggregate classification (germline): Uncertain significance (1 of 4 stars; one submission).

Conditions:
X-linked immunodeficiency with magnesium defect, Epstein-Barr virus infection and neoplasia. Identifiers: Orphanet 317476, MedGen C3275445, MONDO:0010455, OMIM 300853.

gnomAD v4.1: 2 of 1,204,991 alleles (0.00017%); highest among the groups gnomAD compares: South Asian, 0.0035%; no homozygotes.

Submission:

Labcorp Genetics (formerly Invitae), Labcorp
Classification: Uncertain significance for X-linked immunodeficiency with magnesium defect, Epstein-Barr virus infection and neoplasia. Last evaluated: 2024-05-09. Review status: criteria provided, single submitter. Criteria: Invitae Variant Classification Sherloc (09022015). Collection method: clinical testing. Allele origin: germline.
Comment: This sequence change replaces valine, which is neutral and non-polar, with methionine, which is neutral and non-polar, at codon 68 of the MAGT1 protein (p.Val68Met). This variant is present in population databases (no rsID available, gnomAD 0.005%), including at least one homozygous and/or hemizygous individual. This variant has not been reported in the literature in individuals affected with MAGT1-related conditions. Advanced modeling of protein sequence and biophysical properties (such as structural, functional, and spatial information, amino acid conservation, physicochemical variation, residue mobility, and thermodynamic stability) performed at Invitae indicates that this missense variant is not expected to disrupt MAGT1 protein function with a negative predictive value of 80%. In summary, the available evidence is currently insufficient to determine the role of this variant in disease. Therefore, it has been classified as a Variant of Uncertain Significance.

NM_001367916.1(MAGT1):c.106G>A (p.Val36Met)

Gene: MAGT1 (magnesium transporter 1; minus strand). Cytogenetic location: Xq21.1.
Variant type: single nucleotide variant.
Coding change: c.106G>A on transcript NM_001367916.1 (MANE Select); coding-DNA position 106, G replaced by A.
Protein change: p.Val36Met; replaces valine 36 with methionine.
Molecular consequence: missense variant.
Genome position (GRCh38, 1-based): chrX:77,875,594, C>T on the plus strand (G>A on the coding strand, the complement: MAGT1 is on the minus strand). VCF-style: chrX-77875594-C-T. GRCh37 (hg19) VCF-style: chrX-77131091-C-T.
Other names: c.202G>A, p.Val68Met (NM_032121.5); short protein forms V36M, V68M.
Identifiers: ClinVar variation 3652764 (VCV003652764.2).